The following is an entry in ClinVar:

NM_006070.6(TFG):c.1108dup (p.Thr370fs)

Gene: TFG (trafficking from ER to golgi regulator; plus strand). Cytogenetic location: 3q12.2.
Variant type: Duplication.
Coding change: c.1108dup on transcript NM_006070.6 (MANE Select); coding-DNA position 1108, one base duplicated (A; older notation c.1108dupA).
Protein change: p.Thr370fs; shifts the reading frame from threonine 370.
Molecular consequence: frameshift variant.
Genome position (GRCh38, 1-based): chr3:100,748,436, A duplicated. VCF-style (leftmost placement, unchanged base first): chr3-100748435-T-TA. GRCh37 (hg19) VCF-style: chr3-100467279-T-TA.
Other names: c.1108dup, p.Thr370fs (NM_001007565.2, NM_001195478.2); c.1096dup, p.Thr366fs (NM_001195479.2); short protein forms T366fs, T370fs.
Identifiers: ClinVar variation 3766512 (VCV003766512.1).

ClinVar aggregate classification (germline): Uncertain significance (1 of 4 stars; one submission).

Submission:

ARUP Laboratories, Molecular Genetics and Genomics, ARUP Laboratories
Classification: Uncertain significance. Last evaluated: 2024-03-13. Review status: criteria provided, single submitter. Criteria: ARUP Molecular Germline Variant Investigation Process 2024. Collection method: clinical testing. Allele origin: germline.
Comment: The TFG c.1108dup; p.Thr370AsnfsTer10 variant, to our knowledge, is not reported in the medical literature or gene specific databases. This variant is also absent from the Genome Aggregation Database (v2.1.1), indicating it is not a common polymorphism. This variant results in a premature termination codon in the last exon of the TFG gene. While this may not lead to nonsense-mediated decay, it is expected to create a truncated protein that would include a sequence of 10 amino acid residues not usually present. However, given the lack of clinical and functional data, the significance of this variant is uncertain at this time.